The following is an entry in ClinVar:

ClinVar aggregate classification (germline): Uncertain significance (1 of 4 stars; one submission).

Submission:

Clinical Genomics Laboratory, Laboratory for Precision Diagnostics, University of Washington
Classification: Uncertain significance. Last evaluated: 2023-01-20. Review status: criteria provided, single submitter. Criteria: ACMG/ClinGen CNV Guidelines, 2019. Collection method: clinical testing. Allele origin: unknown. Affected: yes. Observed: 1 variant allele.
Comment: This interstitial duplication is approximately 695 kb in size and includes or overlaps five protein-coding genes. None of the genes in this region are known to cause medical problems in humans when an extra copy is present (triplosensitivity), and this is not a known triplosensitive genomic region. The proximal breakpoint of the duplication lies within SNAP91 (OMIM 607923). It is unknown whether this duplication would disrupt SNAP91 or affect its expression, and SNAP91 is currently not a known haploinsufficient gene. Similar duplications have been reported in public databases and in the medical literature. The DECIPHER database contains no patients with a similar duplication, but similar duplications have been submitted to ClinVar sixteen times. One of these reports was of a two-copy gain (triplication). The duplication has been classified in ClinVar variously as Benign (3), Likely Benign (1), and a variant of uncertain significance (12). The reported phenotypes are diverse. PMID: 22892537 detected a similar duplication in a family (5173) in which isolated talipes equinovarus appeared in three out of five generations. The duplication segregated with the phenotype through three generations, though with incomplete penetrance. PMID: 20503323 found a similar duplication in a person with severe Chediak-Higashi syndrome (CHS), hypotonia and global developmental delays, but the person also had paternal heterodisomy of chromosome 1. This resulted in homozygosity for a paternal nonsense variant in LYST, which causes CHS. A similar duplication (nsv1025798) appears at low frequency in the Database of Genomic Variants but not in gnomAD.

Literature cited by the submitters: PubMed 22892537; PubMed 20503323.

GRCh38/hg38 6q14.2-14.3(chr6:83639154-84334201)x3

Genes: CEP162 (centrosomal protein 162; minus strand), CYB5R4 (cytochrome b5 reductase 4; plus strand), LINC02857 (long independently transcribed non-coding RNA 2857; plus strand), MRAP2 (melanocortin 2 receptor accessory protein 2; plus strand), RIPPLY2 (ripply transcriptional repressor 2; plus strand) and 16 more. Cytogenetic location: 6q14.2-14.3.
Variant type: copy number gain.
Change: copy number 3 (three copies instead of two) of chr6:83,639,154-84,334,201 (695.0 kb, GRCh38 coordinates, 1-based), cytogenetic band 6q14.2-14.3.
Identifiers: ClinVar variation 4890943 (VCV004890943.1).